The following is an entry in ClinVar:

NM_001101.5(ACTB):c.739G>T (p.Val247Phe)

Gene: ACTB (actin beta; minus strand). Cytogenetic location: 7p22.1.
Variant type: single nucleotide variant.
Coding change: c.739G>T on transcript NM_001101.5 (MANE Select); coding-DNA position 739, G replaced by T.
Protein change: p.Val247Phe; replaces valine 247 with phenylalanine.
Molecular consequence: missense variant.
Genome position (GRCh38, 1-based): chr7:5,528,344, C>A on the plus strand (G>T on the coding strand, the complement: ACTB is on the minus strand). VCF-style: chr7-5528344-C-A. GRCh37 (hg19) VCF-style: chr7-5567975-C-A.
Other names: short protein forms V247F.
Identifiers: ClinVar variation 1708686 (VCV001708686.2), dbSNP rs1784809671, ClinGen allele CA366701972.
Genomic context (GRCh38, chr7:5,528,344, plus strand): 5'-GGAAGGAAGGCTGGAAGAGTGCCTCAGGGCAGCGGAACCGCTCATTGCCAATGGTGATGA[C>A]CTGGCCGTCAGGCAGCTCGTAGCTCTTCTCCAGGGAGGAGCTGGAAGCAGCCGTGGCCAT-3'
Protein context (NP_001092.1, residues 237-257): EKSYELPDGQ[Val247Phe]ITIGNERFRC

ClinVar aggregate classification (germline): Uncertain significance (1 of 4 stars; one submission).

Submission:

GeneDx
Classification: Uncertain significance. Last evaluated: 2022-04-07. Review status: criteria provided, single submitter. Criteria: GeneDx Variant Classification Process June 2021. Collection method: clinical testing. Allele origin: germline. Affected: yes.
Comment: Not observed at significant frequency in large population cohorts (gnomAD); Missense variants in this gene are often considered pathogenic (HGMD); In silico analysis supports that this missense variant has a deleterious effect on protein structure/function; Has not been previously published as pathogenic or benign to our knowledge